The following is an entry in ClinVar:

ClinVar aggregate classification (germline): Uncertain significance (1 of 4 stars; one submission).

Allele frequency attached by ClinVar (database versions not stated): gnomAD 0.00001; TOPMed 0.00002; gnomAD exomes 0.00006; ExAC 0.00009.
gnomAD v4.1: 89 of 1,504,856 alleles (0.0059%); highest among the groups gnomAD compares: Non-Finnish European, 0.0073%; no homozygotes.

Submissions (2):

Labcorp Genetics (formerly Invitae), Labcorp
Classification: Uncertain significance. Last evaluated: 2024-03-01. Review status: criteria provided, single submitter. Criteria: Invitae Variant Classification Sherloc (09022015). Collection method: clinical testing. Allele origin: germline.
Comment: This sequence change falls in intron 2 of the ATP5D gene. It does not directly change the encoded amino acid sequence of the ATP5D protein. It affects a nucleotide within the consensus splice site. This variant is present in population databases (rs760924231, gnomAD 0.02%). This variant has not been reported in the literature in individuals affected with ATP5D-related conditions. Variants that disrupt the consensus splice site are a relatively common cause of aberrant splicing (PMID: 17576681, 9536098). Algorithms developed to predict the effect of sequence changes on RNA splicing suggest that this variant may disrupt the consensus splice site. In summary, the available evidence is currently insufficient to determine the role of this variant in disease. Therefore, it has been classified as a Variant of Uncertain Significance.

Dr. Peter K. Rogan Lab, Western University
No classification provided (evidence only). Condition: Sarcoma. Review status: no classification provided. Collection method: in vitro. Allele origin: not applicable. Functional consequence: skipped exon, retained intron. Not counted in ClinVar's aggregate classification.

Literature cited by the submitters: PubMed 17576681 (cited by Labcorp Genetics (formerly Invitae), Labcorp); PubMed 9536098 (cited by Labcorp Genetics (formerly Invitae), Labcorp).

NM_001687.5(ATP5F1D):c.295+5G>T

Gene: ATP5F1D (ATP synthase F1 subunit delta; plus strand). Cytogenetic location: 19p13.3.
Variant type: single nucleotide variant.
Coding change: c.295+5G>T on transcript NM_001687.5 (MANE Select); 5 bases into the intron after coding-DNA position 295, G replaced by T.
Molecular consequence: intron variant.
Genome position (GRCh38, 1-based): chr19:1,242,614, G>T. VCF-style: chr19-1242614-G-T. GRCh37 (hg19) VCF-style: chr19-1242613-G-T.
Other names: c.295+5G>T (NM_001001975.2).
Identifiers: ClinVar variation 2908738 (VCV002908738.4), dbSNP rs760924231, ClinGen allele CA9040245.